The following is an entry in ClinVar:

NM_031475.3(ESPN):c.991-6C>G

Gene: ESPN (espin; plus strand). Cytogenetic location: 1p36.31.
Variant type: single nucleotide variant.
Coding change: c.991-6C>G on transcript NM_031475.3 (MANE Select); 6 bases into the intron before coding-DNA position 991, C replaced by G.
Molecular consequence: intron variant.
Genome position (GRCh38, 1-based): chr1:6,444,475, C>G. VCF-style: chr1-6444475-C-G. GRCh37 (hg19) VCF-style: chr1-6504535-C-G.
Other names: c.991-6C>G (NM_001367474.1, NM_001367473.1).
Identifiers: ClinVar variation 741606 (VCV000741606.14), dbSNP rs375198732, ClinGen allele CA560074.

ClinVar aggregate classification (germline): Likely benign. Review status: criteria provided, multiple submitters, no conflicts (2 of 4 stars). 4 submissions from 4 submitters: Likely benign (3). 1 of the submissions does not count toward it. Last evaluated 2025-09-02.

Conditions:
ESPN-related disorder. Also called: ESPN-related condition.

Allele frequency attached by ClinVar (database versions not stated): ESP Exome Variant Server 0.00015; gnomAD 0.00017 and 0.00019; gnomAD exomes 0.00020 and 0.00030; TOPMed 0.00025; ExAC 0.00030.

Submissions (5):

Labcorp Genetics (formerly Invitae), Labcorp
Classification: Likely benign. Last evaluated: 2025-09-02. Review status: criteria provided, single submitter. Criteria: Invitae Variant Classification Sherloc (09022015). Collection method: clinical testing. Allele origin: germline.

Blueprint Genetics
Classification: Likely benign. Last evaluated: 2024-11-22. Review status: criteria provided, single submitter. Criteria: ACMG Guidelines, 2015. Collection method: clinical testing. Allele origin: germline.

GeneDx
Classification: Likely benign. Last evaluated: 2019-11-25. Review status: criteria provided, single submitter. Criteria: GeneDx Variant Classification Process June 2021. Collection method: clinical testing. Allele origin: germline. Affected: yes.

PreventionGenetics, part of Exact Sciences
Classification: Likely benign for ESPN-related condition. Last evaluated: 2023-12-08. Review status: no assertion criteria provided. Collection method: clinical testing. Allele origin: germline. Not counted in ClinVar's aggregate classification.
Comment: This variant is classified as likely benign based on ACMG/AMP sequence variant interpretation guidelines (Richards et al. 2015 PMID: 25741868, with internal and published modifications).

Dr. Peter K. Rogan Lab, Western University
No classification provided (evidence only). Condition: Ovarian serous cystadenocarcinoma. Review status: no classification provided. Collection method: in vitro. Allele origin: not applicable. Functional consequence: retained intron. Not counted in ClinVar's aggregate classification.